The following is an entry in ClinVar:

ClinVar aggregate classification (germline): Uncertain significance (1 of 4 stars; one submission).

Conditions:
Combined immunodeficiency due to DOCK8 deficiency (HIES2). Also called: HYPER-IgE SYNDROME 2, AUTOSOMAL RECESSIVE, WITH RECURRENT INFECTIONS; DOCK8 Deficiency; HIES autosomal recessive; Hyper-IgE recurrent infection syndrome, autosomal recessive; HYPER-IgE RECURRENT INFECTION SYNDROME 2, AUTOSOMAL RECESSIVE. Identifiers: Orphanet 217390, MedGen C4722305, MONDO:0009478, OMIM 243700.

gnomAD v4.1: 1 of 1,614,116 alleles (0.000062%); highest among the groups gnomAD compares: Non-Finnish European, 0.000085%; no homozygotes.

Submission:

Labcorp Genetics (formerly Invitae), Labcorp
Classification: Uncertain significance for Combined immunodeficiency due to DOCK8 deficiency. Last evaluated: 2025-11-03. Review status: criteria provided, single submitter. Criteria: Invitae Variant Classification Sherloc (09022015). Collection method: clinical testing. Allele origin: germline.
Comment: This sequence change replaces leucine, which is neutral and non-polar, with valine, which is neutral and non-polar, at codon 510 of the DOCK8 protein (p.Leu510Val). This variant is not present in population databases (gnomAD no frequency). This variant has not been reported in the literature in individuals affected with DOCK8-related conditions. Invitae Evidence Modeling of protein sequence and biophysical properties (such as structural, functional, and spatial information, amino acid conservation, physicochemical variation, residue mobility, and thermodynamic stability) indicates that this missense variant is not expected to disrupt DOCK8 protein function with a negative predictive value of 80%. In summary, the available evidence is currently insufficient to determine the role of this variant in disease. Therefore, it has been classified as a Variant of Uncertain Significance.

NM_203447.4(DOCK8):c.1528C>G (p.Leu510Val)

Gene: DOCK8 (dedicator of cytokinesis 8; plus strand). Cytogenetic location: 9p24.3.
Variant type: single nucleotide variant.
Coding change: c.1528C>G on transcript NM_203447.4 (MANE Select); coding-DNA position 1528, C replaced by G.
Protein change: p.Leu510Val; replaces leucine 510 with valine.
Molecular consequence: missense variant.
Genome position (GRCh38, 1-based): chr9:340,170, C>G. VCF-style: chr9-340170-C-G. GRCh37 (hg19) VCF-style: chr9-340170-C-G.
Other names: c.1324C>G, p.Leu442Val (NM_001190458.2, NM_001193536.2); short protein forms L442V, L510V.
Identifiers: ClinVar variation 4741494 (VCV004741494.1).
Genomic context (GRCh38, chr9:340,170, plus strand): 5'-CATAACATGACAGTTTCTTTACTAGAACATTCCTATTTTCTCTCTTTAGGCTTGCTAAGA[C>G]TGGAGATTTCTACAGCTCCAGAGATCATCAATTGCTGTCTGACTCCTGAAATGCTGCCCG-3'
Protein context (NP_982272.2, residues 500-520): RVKSIPGLLR[Leu510Val]EISTAPEIIN